The following is an entry in ClinVar:

NM_000128.4(F11):c.1326G>C (p.Leu442Phe)

Gene: F11 (coagulation factor XI; plus strand). Cytogenetic location: 4q35.2.
Variant type: single nucleotide variant.
Coding change: c.1326G>C on transcript NM_000128.4 (MANE Select); coding-DNA position 1326, G replaced by C.
Protein change: p.Leu442Phe; replaces leucine 442 with phenylalanine.
Molecular consequence: missense variant.
Genome position (GRCh38, 1-based): chr4:186,285,659, G>C. VCF-style: chr4-186285659-G-C. GRCh37 (hg19) VCF-style: chr4-187206813-G-C.
Other names: short protein forms L442F.
Identifiers: ClinVar variation 3768499 (VCV003768499.1).

ClinVar aggregate classification (germline): Uncertain significance (1 of 4 stars; one submission).

gnomAD v4.1: 1 of 1,614,096 alleles (0.000062%); highest among the groups gnomAD compares: East Asian, 0.0022%; no homozygotes.

Submission:

Women's Health and Genetics/Laboratory Corporation of America, LabCorp
Classification: Uncertain significance. Last evaluated: 2024-12-20. Review status: criteria provided, single submitter. Criteria: LabCorp Variant Classification Summary - May 2015. Collection method: clinical testing. Allele origin: germline.
Comment: Variant summary: F11 c.1326G>C (p.Leu442Phe) results in a non-conservative amino acid change located in the Serine proteases, trypsin domain of the encoded protein sequence. Three of five in-silico tools predict a damaging effect of the variant on protein function. The variant was absent in 251362 control chromosomes. The available data on variant occurrences in the general population are insufficient to allow any conclusion about variant significance. c.1326G>C has been reported in the literature in at-least one individual affected with Hereditary factor XI deficiency disease (example: Kim_2013). These data do not allow any conclusion about variant significance. To our knowledge, no experimental evidence demonstrating an impact on protein function has been reported. No submitters have cited clinical-significance assessments for this variant to ClinVar. The following publication has been ascertained in the context of this evaluation (PMID: 23187786). Based on the evidence outlined above, the variant was classified as uncertain significance.

Literature cited by the submitters: PubMed 23187786.